The following is an entry in ClinVar:

NM_145178.4(ATOH7):c.64_81del (p.Gly22_Gly27del)

Genes: ATOH7 (atonal bHLH transcription factor 7; minus strand), LOC130003943 (ATAC-STARR-seq lymphoblastoid silent region 2418; plus strand). Cytogenetic location: 10q21.3.
Variant type: Deletion.
Coding change: c.64_81del on transcript NM_145178.4 (MANE Select); coding-DNA positions 64 to 81, 18 bases deleted (GGCACCGAGTGCGCGGGC).
Protein change: p.Gly22_Gly27del.
Molecular consequence: inframe deletion.
Genome position (GRCh38, 1-based): chr10:68,231,597-68,231,614, GCCCGCGCACTCGGTGCC deleted on the plus strand (GGCACCGAGTGCGCGGGC on the coding strand, the reverse complement: ATOH7 is on the minus strand); deleting any 18 consecutive bases within chr10:68,231,597-68,231,624 gives the same sequence; the c. name uses the placement nearest the transcript's 3' end. VCF-style (leftmost placement, unchanged base first): chr10-68231596-TGCCCGCGCACTCGGTGCC-T. GRCh37 (hg19) VCF-style: chr10-69991353-TGCCCGCGCACTCGGTGCC-T.
Identifiers: ClinVar variation 950797 (VCV000950797.7), dbSNP rs556912362, ClinGen allele CA208210025.

ClinVar aggregate classification (germline): Conflicting classifications of pathogenicity. Review status: criteria provided, conflicting classifications (1 of 4 stars). 2 submissions from 2 submitters: Uncertain significance (1); Likely benign (1). Last evaluated 2024-10-21.

Submissions (2):

Labcorp Genetics (formerly Invitae), Labcorp
Classification: Uncertain significance. Last evaluated: 2024-10-21. Review status: criteria provided, single submitter. Criteria: Invitae Variant Classification Sherloc (09022015). Collection method: clinical testing. Allele origin: germline.
Comment: This variant, c.64_81del, results in the deletion of 6 amino acid(s) of the ATOH7 protein (p.Gly22_Gly27del), but otherwise preserves the integrity of the reading frame. This variant is present in population databases (rs556912362, gnomAD 0.2%). This variant has not been reported in the literature in individuals affected with ATOH7-related conditions. ClinVar contains an entry for this variant (Variation ID: 950797). Experimental studies and prediction algorithms are not available or were not evaluated, and the functional significance of this variant is currently unknown. In summary, the available evidence is currently insufficient to determine the role of this variant in disease. Therefore, it has been classified as a Variant of Uncertain Significance.

Blueprint Genetics
Classification: Likely benign. Last evaluated: 2022-11-02. Review status: criteria provided, single submitter. Criteria: ACMG Guidelines, 2015. Collection method: clinical testing. Allele origin: germline.